The following is an entry in ClinVar:

NM_054027.6(ANKH):c.313+9G>A

Gene: ANKH (ANKH inorganic pyrophosphate transport regulator; minus strand). Cytogenetic location: 5p15.2.
Variant type: single nucleotide variant.
Coding change: c.313+9G>A on transcript NM_054027.6 (MANE Select); 9 bases into the intron after coding-DNA position 313, G replaced by A.
Molecular consequence: intron variant.
Genome position (GRCh38, 1-based): chr5:14,768,966, C>T on the plus strand (G>A on the coding strand, the complement: ANKH is on the minus strand). VCF-style: chr5-14768966-C-T. GRCh37 (hg19) VCF-style: chr5-14769075-C-T.
Identifiers: ClinVar variation 351558 (VCV000351558.18), dbSNP rs73048890, ClinGen allele CA3209172.
Genomic context (GRCh38, chr5:14,768,966, plus strand): 5'-ATTTAAATCAATGAAAAGGAATAAGAAATTGCCAAAGCTAGATTCGTCAGTGGCGGTCGG[C>T]GGCCTCACCTATCAGTGTGTGAAAGACGGCAGCGATGGCCCCTGCCACCACCATACACAG-3'

ClinVar aggregate classification (germline): Benign. Review status: criteria provided, multiple submitters, no conflicts (2 of 4 stars). 7 submissions from 6 submitters: Benign (7). Last evaluated 2026-02-03.

Conditions:
Chondrocalcinosis 2. Also called: CALCIUM GOUT; CALCIUM PYROPHOSPHATE ARTHROPATHY; Familial calcium pyrophosphate deposition. Identifiers: Orphanet 1416, MedGen C0856830, MONDO:0007319, OMIM 118600.
Craniometaphyseal dysplasia, autosomal dominant (CMDD). Identifiers: Orphanet 1522, MedGen C1852502, MONDO:0007397, OMIM 123000.

Allele frequency attached by ClinVar (database versions not stated): gnomAD exomes 0.06774 and 0.07773; ExAC 0.07020; 1000 Genomes Project 0.07268; 1000 Genomes Project 30x 0.07308; gnomAD 0.07805 and 0.07896; TOPMed 0.07925; ESP Exome Variant Server 0.08427.
gnomAD v4.1: 125,159 of 1,613,160 alleles (7.8%); highest among the groups gnomAD compares: African/African-American, 9.7%; 5,170 homozygotes.

Submissions (7):

Labcorp Genetics (formerly Invitae), Labcorp
Classification: Benign. Last evaluated: 2026-02-03. Review status: criteria provided, single submitter. Criteria: Invitae Variant Classification Sherloc (09022015). Collection method: clinical testing. Allele origin: germline.

Blueprint Genetics
Classification: Benign. Last evaluated: 2024-11-26. Review status: criteria provided, single submitter. Criteria: ACMG Guidelines, 2015. Collection method: clinical testing. Allele origin: germline.

Genome-Nilou Lab
Classification: Benign for Craniometaphyseal dysplasia, autosomal dominant. Last evaluated: 2021-12-05. Review status: criteria provided, single submitter. Criteria: ACMG Guidelines, 2015. Collection method: clinical testing. Allele origin: germline. Affected: no.

GeneDx
Classification: Benign. Last evaluated: 2018-11-05. Review status: criteria provided, single submitter. Criteria: GeneDx Variant Classification Process June 2021. Collection method: clinical testing. Allele origin: germline. Affected: yes.

Illumina Laboratory Services, Illumina
Classification: Benign for Chondrocalcinosis 2. Last evaluated: 2018-01-12. Review status: criteria provided, single submitter. Criteria: ICSL Variant Classification Criteria 13 December 2019. Collection method: clinical testing. Allele origin: germline.
Comment: This variant was observed in the ICSL laboratory as part of a predisposition screen in an ostensibly healthy population. It had not been previously curated by ICSL or reported in the Human Gene Mutation Database (HGMD: prior to June 1st, 2018), and was therefore a candidate for classification through an automated scoring system. Utilizing variant allele frequency, disease prevalence and penetrance estimates, and inheritance mode, an automated score was calculated to assess if this variant is too frequent to cause the disease. Based on the score and internal cut-off values, a variant classified as benign is not then subjected to further curation. The score for this variant resulted in a classification of benign for this disease.

Illumina Laboratory Services, Illumina
Classification: Benign for Craniometaphyseal dysplasia, autosomal dominant. Last evaluated: 2018-01-12. Review status: criteria provided, single submitter. Criteria: ICSL Variant Classification Criteria 13 December 2019. Collection method: clinical testing. Allele origin: germline.
Comment: the same text as in the submission from Illumina Laboratory Services, Illumina above.

Breakthrough Genomics
Classification: Benign. Review status: criteria provided, single submitter. Criteria: ACMG Guidelines, 2015. Collection method: not provided. Allele origin: germline. Inheritance: Autosomal dominant inheritance. Affected: yes.